The following is an entry in ClinVar:

NM_001987.5(ETV6):c.334G>A (p.Val112Met)

Gene: ETV6 (ETS variant transcription factor 6; plus strand). Cytogenetic location: 12p13.2.
Variant type: single nucleotide variant.
Coding change: c.334G>A on transcript NM_001987.5 (MANE Select); coding-DNA position 334, G replaced by A.
Protein change: p.Val112Met; replaces valine 112 with methionine.
Molecular consequence: missense variant.
Genome position (GRCh38, 1-based): chr12:11,853,432, G>A. VCF-style: chr12-11853432-G-A. GRCh37 (hg19) VCF-style: chr12-12006366-G-A.
Other names: c.331G>A, p.Val111Met (NM_001413913.1); c.307G>A, p.Val103Met (NM_001413914.1); c.70G>A, p.Val24Met (NM_001413915.1); c.334G>A, p.Val112Met (NM_001413916.1, NM_001413917.1); short protein forms V24M, V103M, V111M, V112M.
Identifiers: ClinVar variation 5036165 (VCV005036165.1).
Genomic context (GRCh38, chr12:11,853,432, plus strand): 5'-GTTGTTGGAAAAACATCTTTCCATTTCTCGATTTCCCTTTCCTTTTTCTTTCCAGGTGAT[G>A]TGCTCTATGAACTCCTTCAGCATATTCTGAAGCAGAGGAAACCTCGGATTCTTTTTTCAC-3'
Protein context (NP_001978.1, residues 102-122): FRYRSPHSGD[Val112Met]LYELLQHILK

ClinVar aggregate classification (germline): Uncertain significance (1 of 4 stars; one submission).

Conditions:
Inborn genetic diseases. Identifiers: MedGen C0950123, MeSH D030342.

Submission:

Ambry Genetics
Classification: Uncertain significance for Inborn genetic diseases. Last evaluated: 2026-07-06. Review status: criteria provided, single submitter. Criteria: Ambry Variant Classification Scheme 2023. Collection method: clinical testing. Allele origin: germline.
Comment: The p.V112M variant (also known as c.334G>A), located in coding exon 4 of the ETV6 gene, results from a G to A substitution at nucleotide position 334. The valine at codon 112 is replaced by methionine, an amino acid with highly similar properties. This amino acid position is conserved. In addition, the in silico prediction for this alteration is inconclusive. Based on the available evidence, the clinical significance of this variant remains unclear.